The following is an entry in ClinVar:

NM_004369.4(COL6A3):c.8584G>A (p.Val2862Ile)

Gene: COL6A3 (collagen type VI alpha 3 chain; minus strand). Cytogenetic location: 2q37.3.
Variant type: single nucleotide variant.
Coding change: c.8584G>A on transcript NM_004369.4 (MANE Select); coding-DNA position 8584, G replaced by A.
Protein change: p.Val2862Ile; replaces valine 2862 with isoleucine.
Molecular consequence: missense variant.
Genome position (GRCh38, 1-based): chr2:237,336,516, C>T on the plus strand (G>A on the coding strand, the complement: COL6A3 is on the minus strand). VCF-style: chr2-237336516-C-T. GRCh37 (hg19) VCF-style: chr2-238245159-C-T.
Other names: c.6763G>A, p.Val2255Ile (NM_057166.5); c.7966G>A, p.Val2656Ile (NM_057167.4); short protein forms V2255I, V2862I, V2656I.
Identifiers: ClinVar variation 943384 (VCV000943384.38), dbSNP rs371745862, ClinGen allele CA2187494.

ClinVar aggregate classification (germline): Conflicting classifications of pathogenicity. Review status: criteria provided, conflicting classifications (1 of 4 stars). 3 submissions from 3 submitters: Uncertain significance (1); Benign (1); Likely benign (1). Last evaluated 2025-02-11.

Conditions:
Bethlem myopathy 1A. Also called: Bethlem Muscular Dystrophy; Bethlem myopathy 1; MYOPATHY, BENIGN CONGENITAL, WITH CONTRACTURES. Identifiers: Orphanet 610, MedGen CN029274, MONDO:0024530, OMIM 158810.

Allele frequency attached by ClinVar (database versions not stated): TOPMed below 0.00001; gnomAD 0.00001 and 0.00002; ExAC 0.00004; gnomAD exomes 0.00005; ESP Exome Variant Server 0.00008; 1000 Genomes Project 30x 0.00031; 1000 Genomes Project 0.00040.
gnomAD v4.1: 46 of 1,614,170 alleles (0.0028%); highest among the groups gnomAD compares: South Asian, 0.029%; no homozygotes.

Submissions (3):

Labcorp Genetics (formerly Invitae), Labcorp
Classification: Benign for Bethlem myopathy 1A. Last evaluated: 2025-02-11. Review status: criteria provided, single submitter. Criteria: Invitae Variant Classification Sherloc (09022015). Collection method: clinical testing. Allele origin: germline.

Revvity Omics, Revvity
Classification: Uncertain significance. Last evaluated: 2025-01-23. Review status: criteria provided, single submitter. Criteria: ACMG Guidelines, 2015. Collection method: clinical testing. Allele origin: germline.

CeGaT Center for Human Genetics Tuebingen
Classification: Likely benign. Last evaluated: 2022-05-01. Review status: criteria provided, single submitter. Criteria: CeGaT Center For Human Genetics Tuebingen Variant Classification Criteria Version 2. Collection method: clinical testing. Allele origin: germline. Affected: yes. Observed: 1 variant allele.
Comment: COL6A3: BP4